The following is an entry in ClinVar:

ClinVar aggregate classification (germline): Conflicting classifications of pathogenicity. Review status: criteria provided, conflicting classifications (1 of 4 stars). 2 submissions from 2 submitters: Uncertain significance (1); Likely benign (1). Last evaluated 2024-12-08.

Conditions:
Inborn genetic diseases. Identifiers: MedGen C0950123, MeSH D030342.
Pulmonary fibrosis and/or bone marrow failure, Telomere-related, 3. Also called: PULMONARY FIBROSIS AND/OR BONE MARROW FAILURE SYNDROME, TELOMERE-RELATED, 3. Identifiers: Orphanet 2032, MedGen C4225346, MONDO:0014613, OMIM 616373.
Dyskeratosis congenita, autosomal recessive 5 (DKCB5). Identifiers: MedGen C3554656, MONDO:0014076, OMIM 615190.

Submissions (2):

Ambry Genetics
Classification: Likely benign for Inborn genetic diseases. Last evaluated: 2024-12-08. Review status: criteria provided, single submitter. Criteria: Ambry Variant Classification Scheme 2023. Collection method: clinical testing. Allele origin: germline.

Labcorp Genetics (formerly Invitae), Labcorp
Classification: Uncertain significance for Dyskeratosis congenita, autosomal recessive 5; Pulmonary fibrosis and/or bone marrow failure, Telomere-related, 3. Last evaluated: 2022-02-09. Review status: criteria provided, single submitter. Criteria: Invitae Variant Classification Sherloc (09022015). Collection method: clinical testing. Allele origin: germline.
Comment: This sequence change affects codon 319 of the RTEL1 mRNA. It is a 'silent' change, meaning that it does not change the encoded amino acid sequence of the RTEL1 protein. It affects a nucleotide within the consensus splice site. This variant is not present in population databases (gnomAD no frequency). This variant has not been reported in the literature in individuals affected with RTEL1-related conditions. Algorithms developed to predict the effect of sequence changes on RNA splicing suggest that this variant is not likely to affect RNA splicing. In summary, the available evidence is currently insufficient to determine the role of this variant in disease. Therefore, it has been classified as a Variant of Uncertain Significance.

NM_001283009.2(RTEL1):c.957G>A (p.Lys319=)

Genes: RTEL1 (regulator of telomere elongation helicase 1; plus strand), RTEL1-TNFRSF6B (RTEL1-TNFRSF6B readthrough (NMD candidate); plus strand). Cytogenetic location: 20q13.33.
Variant type: single nucleotide variant.
Coding change: c.957G>A on transcript NM_001283009.2 (MANE Select); coding-DNA position 957, G replaced by A.
Protein change: p.Lys319=; no amino-acid change (lysine 319 retained).
Molecular consequence: synonymous variant. On other transcripts: non-coding transcript variant (1).
Genome position (GRCh38, 1-based): chr20:63,678,182, G>A. VCF-style: chr20-63678182-G-A. GRCh37 (hg19) VCF-style: chr20-62309535-G-A.
Other names: c.288G>A, p.Lys96= (NM_001283010.1); c.957G>A, p.Lys319= (NM_016434.4); c.1029G>A, p.Lys343= (NM_032957.5).
Identifiers: ClinVar variation 2162490 (VCV002162490.2), dbSNP rs2517058695, ClinGen allele CA511372050.